The following is an entry in ClinVar:

NM_000518.5(HBB):c.82_83delinsTT (p.Ala28Phe)

Genes: HBB (hemoglobin subunit beta; minus strand), LOC106099062 (HBB recombination region; plus strand), LOC107133510 (origin of replication at HBB; plus strand). Cytogenetic location: 11p15.4.
Variant type: Indel.
Coding change: c.82_83delinsTT on transcript NM_000518.5 (MANE Select); coding-DNA positions 82 to 83, GC replaced by TT.
Protein change: p.Ala28Phe; replaces alanine 28 with phenylalanine.
Molecular consequence: missense variant.
Genome position (GRCh38, 1-based): chr11:5,226,939-5,226,940, GC replaced by AA on the plus strand (GC replaced by TT on the coding strand, the reverse complement: HBB is on the minus strand). VCF-style: chr11-5226939-GC-AA. GRCh37 (hg19) VCF-style: chr11-5248169-GC-AA.
Other names: short protein forms A28F.
Identifiers: ClinVar variation 3767038 (VCV003767038.1).

ClinVar aggregate classification (germline): Uncertain significance (1 of 4 stars; one submission).

Submission:

ARUP Laboratories, Molecular Genetics and Genomics, ARUP Laboratories
Classification: Uncertain significance. Last evaluated: 2023-12-14. Review status: criteria provided, single submitter. Criteria: ARUP Molecular Germline Variant Investigation Process 2024. Collection method: clinical testing. Allele origin: germline.
Comment: The HBB c.82_83delinsTT; p.Ala28Phe variant, to our knowledge, is not reported in the medical literature or gene specific databases. This variant is also absent from the Genome Aggregation Database, indicating it is not a common polymorphism. Due to limited information, the clinical significance of this variant is uncertain at this time.